The following is an entry in ClinVar:

ClinVar aggregate classification (germline): Pathogenic (1 of 4 stars; one submission).

Conditions:
EAST syndrome (SESAMES). Also called: SEIZURES, SENSORINEURAL DEAFNESS, ATAXIA, IMPAIRED INTELLECTUAL DEVELOPMENT, AND ELECTROLYTE IMBALANCE. Identifiers: Orphanet 199343, MedGen C2748572, MONDO:0013005, OMIM 612780.

Submission:

Labcorp Genetics (formerly Invitae), Labcorp
Classification: Pathogenic for EAST syndrome. Last evaluated: 2024-07-27. Review status: criteria provided, single submitter. Criteria: Invitae Variant Classification Sherloc (09022015). Collection method: clinical testing. Allele origin: germline.
Comment: This sequence change creates a premature translational stop signal (p.Tyr66*) in the KCNJ10 gene. While this is not anticipated to result in nonsense mediated decay, it is expected to disrupt the last 314 amino acid(s) of the KCNJ10 protein. This variant is not present in population databases (gnomAD no frequency). This variant has not been reported in the literature in individuals affected with KCNJ10-related conditions. This variant disrupts a region of the KCNJ10 protein in which other variant(s) (p.Arg297Cys) have been determined to be pathogenic (PMID: 19289823, 20678478, 20807765, 21088294, 21849804). This suggests that this is a clinically significant region of the protein, and that variants that disrupt it are likely to be disease-causing. For these reasons, this variant has been classified as Pathogenic.

Literature cited by the submitters: PubMed 19289823; PubMed 20678478; PubMed 20807765; PubMed 21088294; PubMed 21849804.

NM_002241.5(KCNJ10):c.198C>G (p.Tyr66Ter)

Gene: KCNJ10 (potassium inwardly rectifying channel subfamily J member 10; minus strand). Cytogenetic location: 1q23.2.
Variant type: single nucleotide variant.
Coding change: c.198C>G on transcript NM_002241.5 (MANE Select); coding-DNA position 198, C replaced by G.
Protein change: p.Tyr66Ter; replaces tyrosine 66 with a stop codon.
Molecular consequence: nonsense.
Genome position (GRCh38, 1-based): chr1:160,042,335, G>C on the plus strand (C>G on the coding strand, the complement: KCNJ10 is on the minus strand). VCF-style: chr1-160042335-G-C. GRCh37 (hg19) VCF-style: chr1-160012125-G-C.
Other names: short protein forms Y66*.
Identifiers: ClinVar variation 3660708 (VCV003660708.2).